The following is an entry in ClinVar:

ClinVar aggregate classification (germline): Uncertain significance (1 of 4 stars; one submission).

Conditions:
Immunodeficiency 14 (IMD14A). Also called: p110-DELTA-ACTIVATING MUTATION CAUSING SENESCENT T CELLS, LYMPHADENOPATHY, AND IMMUNODEFICIENCY; Activated PI3K Delta Syndrome Type 1 (APDS1); ACTIVATED PI3K-DELTA SYNDROME 1; IMMUNODEFICIENCY 14A WITH LYMPHOPROLIFERATION, AUTOSOMAL DOMINANT. Identifiers: Orphanet 397596, Orphanet 693661, MedGen C5907821, MONDO:0014222, OMIM 615513.

Submission:

Labcorp Genetics (formerly Invitae), Labcorp
Classification: Uncertain significance for Immunodeficiency 14. Last evaluated: 2019-11-27. Review status: criteria provided, single submitter. Criteria: Invitae Variant Classification Sherloc (09022015). Collection method: clinical testing. Allele origin: germline.
Comment: This variant results in a copy number gain of the genomic region encompassing the full coding sequence of the PIK3CD gene. The boundaries of this event are unknown as they extend beyond the assayed region for this gene and therefore may encompass additional genes. As the precise location of this event is unknown, it may be in tandem or it may be located elsewhere in the genome. This variant has not been reported in the literature in individuals with PIK3CD-related conditions. In summary, the available evidence is currently insufficient to determine the role of this variant in disease. Therefore, it has been classified as a Variant of Uncertain Significance.

NC_000001.11:g.(?_9710436)_(9727066_?)dup

Gene: PIK3CD (phosphatidylinositol-4,5-bisphosphate 3-kinase catalytic subunit delta; plus strand). Cytogenetic location: 1p36.22.
Variant type: Duplication.
Identifiers: ClinVar variation 832820 (VCV000832820.2).